The following is an entry in ClinVar:

NM_005428.4(VAV1):c.1405C>T (p.His469Tyr)

Gene: VAV1 (vav guanine nucleotide exchange factor 1; plus strand). Cytogenetic location: 19p13.3.
Variant type: single nucleotide variant.
Coding change: c.1405C>T on transcript NM_005428.4 (MANE Select); coding-DNA position 1405, C replaced by T.
Protein change: p.His469Tyr; replaces histidine 469 with tyrosine.
Molecular consequence: missense variant.
Genome position (GRCh38, 1-based): chr19:6,832,097, C>T. VCF-style: chr19-6832097-C-T. GRCh37 (hg19) VCF-style: chr19-6832108-C-T.
Other names: c.1405C>T, p.His469Tyr (NM_001258206.2); c.1309C>T, p.His437Tyr (NM_001258207.2); short protein forms H469Y, H437Y.
Identifiers: ClinVar variation 4728400 (VCV004728400.1).

ClinVar aggregate classification (germline): Uncertain significance (1 of 4 stars; one submission).

Submission:

Labcorp Genetics (formerly Invitae), Labcorp
Classification: Uncertain significance. Last evaluated: 2025-10-03. Review status: criteria provided, single submitter. Criteria: Invitae Variant Classification Sherloc (09022015). Collection method: clinical testing. Allele origin: germline.
Comment: This sequence change replaces histidine, which is basic and polar, with tyrosine, which is neutral and polar, at codon 469 of the VAV1 protein (p.His469Tyr). This variant is present in population databases (no rsID available, gnomAD 0.0009%). This variant has not been reported in the literature in individuals affected with VAV1-related conditions. An algorithm developed to predict the effect of missense changes on protein structure and function (PolyPhen-2) suggests that this variant is likely to be tolerated. In summary, the available evidence is currently insufficient to determine the role of this variant in disease. Therefore, it has been classified as a Variant of Uncertain Significance.